The following is an entry in ClinVar:

NM_000051.4(ATM):c.1607+162A>G

Gene: ATM (ATM serine/threonine kinase; plus strand). Cytogenetic location: 11q22.3.
Variant type: single nucleotide variant.
Coding change: c.1607+162A>G on transcript NM_000051.4 (MANE Select); 162 bases into the intron after coding-DNA position 1607, A replaced by G.
Molecular consequence: intron variant.
Genome position (GRCh38, 1-based): chr11:108,251,234, A>G. VCF-style: chr11-108251234-A-G. GRCh37 (hg19) VCF-style: chr11-108121961-A-G.
Other names: c.1607+162A>G (NM_001351834.2).
Identifiers: ClinVar variation 2587789 (VCV002587789.8), dbSNP rs1591525629, ClinGen allele CA1998771116.
Genomic context (GRCh38, chr11:108,251,234, plus strand): 5'-AAGATGTCAAATTCTATTTCAGATGCTTTTCTTGTTTGGCCGAGAAGACTTAATAAATGC[A>G]TAAGTGAATTTAGTTTCAAATGTTGACAAATTATTAAAGACTAATGTTAAGGAATTTCTT-3'

ClinVar aggregate classification (germline): Conflicting classifications of pathogenicity. Review status: criteria provided, conflicting classifications (1 of 4 stars). 3 submissions from 3 submitters: Pathogenic (1); Likely pathogenic (1); Uncertain significance (1). Last evaluated 2026-02-19.

Conditions:
Ataxia-telangiectasia syndrome (AT). Also called: Ataxia-telangiectasia, complementation group D; AT, COMPLEMENTATION GROUP C; ATAXIA-TELANGIECTASIA, COMPLEMENTATION GROUP A; ATAXIA-TELANGIECTASIA, FRESNO VARIANT; Ataxia-telangiectasia; Ataxia-telangiectasia, complementation group E. Identifiers: Orphanet 100, MedGen C0004135, MONDO:0008840, OMIM 208900.
Hereditary cancer-predisposing syndrome. Also called: Neoplastic Syndromes, Hereditary; Tumor predisposition; Hereditary Cancer Syndrome; Hereditary neoplastic syndrome. Identifiers: Orphanet 140162, MedGen C0027672, MeSH D009386, MONDO:0015356.
Familial cancer of breast. Also called: Hereditary breast cancer; hereditary breast carcinoma; BREAST CANCER, FAMILIAL. Identifiers: Orphanet 227535, MedGen C0346153, MONDO:0016419, OMIM 114480. Disease mechanism: loss of function.

Allele frequency attached by ClinVar (database versions not stated): TOPMed 0.00001.

Submissions (3):

Ambry Genetics
Classification: Likely pathogenic for Hereditary cancer-predisposing syndrome. Last evaluated: 2026-02-19. Review status: criteria provided, single submitter. Criteria: Ambry Variant Classification Scheme 2023. Collection method: clinical testing. Allele origin: germline.
Comment: The c.1607+162A>G intronic variant results from an A to G substitution 162 nucleotides after coding exon 9 in the ATM gene. This nucleotide position is well conserved in available vertebrate species. In silico splice site analysis predicts that this alteration will result in the creation or strengthening of a novel splice donor site and will result in the creation or strengthening of a novel splice acceptor site. RNA studies have demonstrated that this alteration results in abnormal splicing in the set of samples tested (Ambry internal data). This variant is considered to be rare based on population cohorts in the Genome Aggregation Database (gnomAD). Based on the majority of available evidence to date, this variant is likely to be pathogenic.

Labcorp Genetics (formerly Invitae), Labcorp
Classification: Pathogenic for Ataxia-telangiectasia syndrome. Last evaluated: 2025-10-14. Review status: criteria provided, single submitter. Criteria: Invitae Variant Classification Sherloc (09022015). Collection method: clinical testing. Allele origin: germline.
Comment: This sequence change falls in intron 10 of the ATM gene. It does not directly change the encoded amino acid sequence of the ATM protein. RNA analysis indicates that this variant induces altered splicing and may result in an absent or altered protein product. This variant is not present in population databases (gnomAD no frequency). This variant has not been reported in the literature in individuals affected with ATM-related conditions. Studies have shown that this variant results in activation of a cryptic splice site, and produces a non-functional protein and/or introduces a premature termination codon (internal data). For these reasons, this variant has been classified as Pathogenic.

Baylor Genetics
Classification: Uncertain significance for Familial cancer of breast. Last evaluated: 2023-12-29. Review status: criteria provided, single submitter. Criteria: ACMG Guidelines, 2015. Collection method: clinical testing. Allele origin: unknown.